The following is an entry in ClinVar:

NM_001184.4(ATR):c.3634C>T (p.Leu1212Phe)

Gene: ATR (ATR checkpoint kinase; minus strand). Cytogenetic location: 3q23.
Variant type: single nucleotide variant.
Coding change: c.3634C>T on transcript NM_001184.4 (MANE Select); coding-DNA position 3634, C replaced by T.
Protein change: p.Leu1212Phe; replaces leucine 1212 with phenylalanine.
Molecular consequence: missense variant.
Genome position (GRCh38, 1-based): chr3:142,538,573, G>A on the plus strand (C>T on the coding strand, the complement: ATR is on the minus strand). VCF-style: chr3-142538573-G-A. GRCh37 (hg19) VCF-style: chr3-142257415-G-A.
Other names: c.3442C>T, p.Leu1148Phe (NM_001354579.2); short protein forms L1212F, L1148F.
Identifiers: ClinVar variation 1733436 (VCV001733436.5), dbSNP rs2108432685, ClinGen allele CA354807558.

ClinVar aggregate classification (germline): Uncertain significance. Review status: criteria provided, multiple submitters, no conflicts (2 of 4 stars). 2 submissions from 2 submitters: Uncertain significance (2). Last evaluated 2023-10-12.

Conditions:
Inborn genetic diseases. Identifiers: MedGen C0950123, MeSH D030342.

Submissions (2):

Ambry Genetics
Classification: Uncertain significance for Inborn genetic diseases. Last evaluated: 2023-10-12. Review status: criteria provided, single submitter. Criteria: Ambry Variant Classification Scheme 2023. Collection method: clinical testing. Allele origin: germline.
Comment: The p.L1212F variant (also known as c.3634C>T), located in coding exon 19 of the ATR gene, results from a C to T substitution at nucleotide position 3634. The leucine at codon 1212 is replaced by phenylalanine, an amino acid with highly similar properties. This amino acid position is conserved. In addition, the in silico prediction for this alteration is inconclusive. Since supporting evidence is limited at this time, the clinical significance of this alteration remains unclear.

Labcorp Genetics (formerly Invitae), Labcorp
Classification: Uncertain significance. Last evaluated: 2023-02-02. Review status: criteria provided, single submitter. Criteria: Invitae Variant Classification Sherloc (09022015). Collection method: clinical testing. Allele origin: germline.
Comment: This sequence change replaces leucine, which is neutral and non-polar, with phenylalanine, which is neutral and non-polar, at codon 1212 of the ATR protein (p.Leu1212Phe). This variant is not present in population databases (gnomAD no frequency). This variant has not been reported in the literature in individuals affected with ATR-related conditions. ClinVar contains an entry for this variant (Variation ID: 1733436). Algorithms developed to predict the effect of missense changes on protein structure and function are either unavailable or do not agree on the potential impact of this missense change (SIFT: "Deleterious"; PolyPhen-2: "Probably Damaging"; Align-GVGD: "Class C0"). In summary, the available evidence is currently insufficient to determine the role of this variant in disease. Therefore, it has been classified as a Variant of Uncertain Significance.